The following is an entry in ClinVar:

NM_001376.5(DYNC1H1):c.12350A>G (p.Gln4117Arg)

Gene: DYNC1H1 (dynein cytoplasmic 1 heavy chain 1; plus strand). Cytogenetic location: 14q32.31.
Variant type: single nucleotide variant.
Coding change: c.12350A>G on transcript NM_001376.5 (MANE Select); coding-DNA position 12350, A replaced by G.
Protein change: p.Gln4117Arg; replaces glutamine 4117 with arginine.
Molecular consequence: missense variant.
Genome position (GRCh38, 1-based): chr14:102,042,458, A>G. VCF-style: chr14-102042458-A-G. GRCh37 (hg19) VCF-style: chr14-102508795-A-G.
Other names: short protein forms Q4117R.
Identifiers: ClinVar variation 1327910 (VCV001327910.9), dbSNP rs377620179, ClinGen allele CA7353904.

ClinVar aggregate classification (germline): Conflicting classifications of pathogenicity. Review status: criteria provided, conflicting classifications (1 of 4 stars). 2 submissions from 2 submitters: Uncertain significance (1); Likely benign (1). Last evaluated 2024-02-09.

Conditions:
Charcot-Marie-Tooth disease axonal type 2O. Also called: CHARCOT-MARIE-TOOTH NEUROPATHY, AXONAL, TYPE 2O; CHARCOT-MARIE-TOOTH DISEASE, AXONAL, AUTOSOMAL DOMINANT, TYPE 2O; Charcot-Marie-Tooth Neuropathy Type 2O; Charcot-Marie-Tooth disease, axonal, type 20. Identifiers: Orphanet 284232, MedGen C3280220, MONDO:0013644, OMIM 614228.

Allele frequency attached by ClinVar (database versions not stated): TOPMed below 0.00001; gnomAD 0.00001; gnomAD exomes 0.00001; ExAC 0.00002; ESP Exome Variant Server 0.00008; 1000 Genomes Project 30x 0.00016; 1000 Genomes Project 0.00020.
gnomAD v4.1: 1 of 1,614,148 alleles (0.000062%); highest among the groups gnomAD compares: African/African-American, 0.0013%; no homozygotes.

Submissions (2):

Labcorp Genetics (formerly Invitae), Labcorp
Classification: Likely benign for Charcot-Marie-Tooth disease axonal type 2O. Last evaluated: 2024-02-09. Review status: criteria provided, single submitter. Criteria: Invitae Variant Classification Sherloc (09022015). Collection method: clinical testing. Allele origin: germline.

GeneDx
Classification: Uncertain significance. Last evaluated: 2021-06-07. Review status: criteria provided, single submitter. Criteria: GeneDx Variant Classification Process June 2021. Collection method: clinical testing. Allele origin: germline. Affected: yes.
Comment: In silico analysis supports that this missense variant does not alter protein structure/function; Has not been previously published as pathogenic or benign to our knowledge; This variant is associated with the following publications: (PMID: 27535533)